The following is an entry in ClinVar:

NM_052876.4(NACC1):c.781C>T (p.Arg261Trp)

Gene: NACC1 (nucleus accumbens associated 1; plus strand). Cytogenetic location: 19p13.13.
Variant type: single nucleotide variant.
Coding change: c.781C>T on transcript NM_052876.4 (MANE Select); coding-DNA position 781, C replaced by T.
Protein change: p.Arg261Trp; replaces arginine 261 with tryptophan.
Molecular consequence: missense variant.
Genome position (GRCh38, 1-based): chr19:13,135,988, C>T. VCF-style: chr19-13135988-C-T. GRCh37 (hg19) VCF-style: chr19-13246802-C-T.
Other names: short protein forms R261W.
Identifiers: ClinVar variation 3610172 (VCV003610172.2).
Genomic context (GRCh38, chr19:13,135,988, plus strand): 5'-CAGCCAGCCGGTGGGGTGGCAGCAGCAGGGGGTGTGGTGAGTGGGCCCAGCACGTCGGAG[C>T]GGACCAGCCCAGGCACCTCAAGCGCCTACACCAGCGACAGCCCTGGCTCCTACCACAATG-3'
Protein context (NP_443108.1, residues 251-271): GVVSGPSTSE[Arg261Trp]TSPGTSSAYT

ClinVar aggregate classification (germline): Uncertain significance (1 of 4 stars; one submission).

Submission:

Labcorp Genetics (formerly Invitae), Labcorp
Classification: Uncertain significance. Last evaluated: 2025-10-24. Review status: criteria provided, single submitter. Criteria: Invitae Variant Classification Sherloc (09022015). Collection method: clinical testing. Allele origin: germline.
Comment: This sequence change replaces arginine, which is basic and polar, with tryptophan, which is neutral and slightly polar, at codon 261 of the NACC1 protein (p.Arg261Trp). This variant is not present in population databases (gnomAD no frequency). This variant has not been reported in the literature in individuals affected with NACC1-related conditions. ClinVar contains an entry for this variant (Variation ID: 3610172). Invitae Evidence Modeling of protein sequence and biophysical properties (such as structural, functional, and spatial information, amino acid conservation, physicochemical variation, residue mobility, and thermodynamic stability) indicates that this missense variant is not expected to disrupt NACC1 protein function with a negative predictive value of 80%. In summary, the available evidence is currently insufficient to determine the role of this variant in disease. Therefore, it has been classified as a Variant of Uncertain Significance.